The following is an entry in ClinVar:

NM_001036.6(RYR3):c.5446G>A (p.Asp1816Asn)

Gene: RYR3 (ryanodine receptor 3; plus strand). Cytogenetic location: 15q14.
Variant type: single nucleotide variant.
Coding change: c.5446G>A on transcript NM_001036.6 (MANE Select); coding-DNA position 5446, G replaced by A.
Protein change: p.Asp1816Asn; replaces aspartic acid 1816 with asparagine.
Molecular consequence: missense variant.
Genome position (GRCh38, 1-based): chr15:33,663,564, G>A. VCF-style: chr15-33663564-G-A. GRCh37 (hg19) VCF-style: chr15-33955765-G-A.
Other names: c.5446G>A, p.Asp1816Asn (NM_001243996.4); short protein forms D1816N.
Identifiers: ClinVar variation 531005 (VCV000531005.8), dbSNP rs765473326, ClinGen allele CA7459269.

ClinVar aggregate classification (germline): Uncertain significance (1 of 4 stars; one submission).

Conditions:
Epileptic encephalopathy. Identifiers: MedGen C0543888, HP:0200134.

Allele frequency attached by ClinVar (database versions not stated): ExAC 0.00003; gnomAD exomes 0.00001 and 0.00002; TOPMed below 0.00001.
gnomAD v4.1: 13 of 1,613,784 alleles (0.00081%); highest among the groups gnomAD compares: Middle Eastern, 0.033%; no homozygotes.

Submission:

Labcorp Genetics (formerly Invitae), Labcorp
Classification: Uncertain significance for Epileptic encephalopathy. Last evaluated: 2020-04-24. Review status: criteria provided, single submitter. Criteria: Invitae Variant Classification Sherloc (09022015). Collection method: clinical testing. Allele origin: germline.
Comment: In summary, the available evidence is currently insufficient to determine the role of this variant in disease. Therefore, it has been classified as a Variant of Uncertain Significance. Algorithms developed to predict the effect of missense changes on protein structure and function do not agree on the potential impact of this missense change (SIFT: "Deleterious"; PolyPhen-2: "Probably Damaging"; Align-GVGD: "Class C15"). This variant has not been reported in the literature in individuals with RYR3-related disease. This variant is present in population databases (rs765473326, ExAC 0.01%). This sequence change replaces aspartic acid with asparagine at codon 1816 of the RYR3 protein (p.Asp1816Asn). The aspartic acid residue is highly conserved and there is a small physicochemical difference between aspartic acid and asparagine.